The following is an entry in ClinVar:

ClinVar aggregate classification (germline): Likely benign. Review status: criteria provided, multiple submitters, no conflicts (2 of 4 stars). 6 submissions from 6 submitters: Likely benign (6). Last evaluated 2026-01-07.

Conditions:
Malignant hyperthermia, susceptibility to, 1 (MHS1). Also called: Anesthesia related hyperthermia; Malignant hyperpyrexia; Fulminating hyperpyrexia; Pharmacogenic myopathy; RYR1-Related Malignant Hyperthermia Susceptibility; Malignant hyperthermia suceptibility 1. Identifiers: Orphanet 423, MedGen C2930980, MONDO:0007783, OMIM 145600.
RYR1-related disorder. Also called: RYR1-related condition; RYR1-related disorders. Identifiers: MedGen CN239331.

Allele frequency attached by ClinVar (database versions not stated): gnomAD exomes 0.00005 and 0.00011; ExAC 0.00013; gnomAD 0.00019 and 0.00023; TOPMed 0.00032; ESP Exome Variant Server 0.00038.
gnomAD v4.1: 96 of 1,613,334 alleles (0.006%); highest among the groups gnomAD compares: African/African-American, 0.075%; no homozygotes.

Submissions (6):

Labcorp Genetics (formerly Invitae), Labcorp
Classification: Likely benign for RYR1-related disorder. Last evaluated: 2026-01-07. Review status: criteria provided, single submitter. Criteria: Invitae Variant Classification Sherloc (09022015). Collection method: clinical testing. Allele origin: germline.

Athena Diagnostics
Classification: Likely benign. Last evaluated: 2025-07-31. Review status: criteria provided, single submitter. Criteria: Athena Diagnostics Criteria. Collection method: clinical testing. Allele origin: unknown.
Comment: Computational tools yielded predictions that this variant is unlikely to have an effect on normal RNA splicing. This nucleotide position exhibits low evolutionary conservation.

Blueprint Genetics
Classification: Likely benign. Last evaluated: 2024-05-03. Review status: criteria provided, single submitter. Criteria: ACMG Guidelines, 2015. Collection method: clinical testing. Allele origin: germline.

Color Diagnostics, LLC DBA Color Health
Classification: Likely benign for Malignant hyperthermia, susceptibility to, 1. Last evaluated: 2022-11-06. Review status: criteria provided, single submitter. Criteria: ACMG Guidelines, 2015. Collection method: clinical testing. Allele origin: germline.

GeneDx
Classification: Likely benign. Last evaluated: 2021-04-22. Review status: criteria provided, single submitter. Criteria: GeneDx Variant Classification Process June 2021. Collection method: clinical testing. Allele origin: germline. Affected: yes.

PreventionGenetics, part of Exact Sciences
Classification: Likely benign. Last evaluated: 2017-03-06. Review status: criteria provided, single submitter. Criteria: ACMG Guidelines, 2015. Collection method: clinical testing. Allele origin: germline.

NM_000540.3(RYR1):c.2544C>T (p.Thr848=)

Gene: RYR1 (ryanodine receptor 1; plus strand). Cytogenetic location: 19q13.2.
Variant type: single nucleotide variant.
Coding change: c.2544C>T on transcript NM_000540.3 (MANE Select); coding-DNA position 2544, C replaced by T.
Protein change: p.Thr848=; no amino-acid change (threonine 848 retained).
Molecular consequence: synonymous variant.
Genome position (GRCh38, 1-based): chr19:38,460,558, C>T. VCF-style: chr19-38460558-C-T. GRCh37 (hg19) VCF-style: chr19-38951198-C-T.
Other names: c.2544C>T, p.Thr848= (NM_001042723.2).
Identifiers: ClinVar variation 391770 (VCV000391770.19), dbSNP rs140374285, ClinGen allele CA063410.